The following is an entry in ClinVar:

NM_001963.6(EGF):c.1311C>T (p.Ser437=)

Gene: EGF (epidermal growth factor; plus strand). Cytogenetic location: 4q25.
Variant type: single nucleotide variant.
Coding change: c.1311C>T on transcript NM_001963.6 (MANE Select); coding-DNA position 1311, C replaced by T.
Protein change: p.Ser437=; no amino-acid change (serine 437 retained).
Molecular consequence: synonymous variant.
Genome position (GRCh38, 1-based): chr4:109,961,984, C>T. VCF-style: chr4-109961984-C-T. GRCh37 (hg19) VCF-style: chr4-110883140-C-T.
Other names: c.1311C>T, p.Ser437= (NM_001178130.3); c.1185C>T, p.Ser395= (NM_001178131.3, NM_001357021.2).
Identifiers: ClinVar variation 3703803 (VCV003703803.2).
Genomic context (GRCh38, chr4:109,961,984, plus strand): 5'-AGGTCCCTTATGTTTCTGTCCTGAAGGCTCAGTGCTTGAGAGAGATGGGAAAACATGTAG[C>T]GGTGAGTTTATTTGCTTTATTTACCTTTTGTTTGTTTGAAAACATACATTTGCTCAGTGA-3'
Protein context (NP_001954.2, residues 427-447): SVLERDGKTC[Ser437=]GCSSPDNGGC

ClinVar aggregate classification (germline): Uncertain significance (1 of 4 stars; one submission).

gnomAD v4.1: 83 of 1,613,416 alleles (0.0051%); highest among the groups gnomAD compares: South Asian, 0.036%; no homozygotes.

Submission:

Labcorp Genetics (formerly Invitae), Labcorp
Classification: Uncertain significance. Last evaluated: 2024-01-31. Review status: criteria provided, single submitter. Criteria: Invitae Variant Classification Sherloc (09022015). Collection method: clinical testing. Allele origin: germline.
Comment: This sequence change affects codon 437 of the EGF mRNA. It is a 'silent' change, meaning that it does not change the encoded amino acid sequence of the EGF protein. It affects a nucleotide within the consensus splice site. This variant is present in population databases (rs747951078, gnomAD 0.03%). This variant has not been reported in the literature in individuals affected with EGF-related conditions. Algorithms developed to predict the effect of sequence changes on RNA splicing suggest that this variant is not likely to affect RNA splicing. In summary, the available evidence is currently insufficient to determine the role of this variant in disease. Therefore, it has been classified as a Variant of Uncertain Significance.